The following is an entry in ClinVar:

NM_015374.3(SUN2):c.1061G>A (p.Arg354His)

Genes: GTPBP1 (GTP binding protein 1; plus strand), SUN2 (Sad1 and UNC84 domain containing 2; minus strand). Cytogenetic location: 22q13.1.
Variant type: single nucleotide variant.
Coding change: c.1061G>A on transcript NM_015374.3 (MANE Select); coding-DNA position 1061, G replaced by A.
Protein change: p.Arg354His; replaces arginine 354 with histidine.
Molecular consequence: missense variant. On other transcripts: intron variant (3).
Genome position (GRCh38, 1-based): chr22:38,742,308, C>T on the plus strand (G>A on the coding strand, the complement: SUN2 is on the minus strand). VCF-style: chr22-38742308-C-T. GRCh37 (hg19) VCF-style: chr22-39138313-C-T.
Other names: c.1124G>A, p.Arg375His (NM_001199579.2, NM_001394428.1); c.1061G>A, p.Arg354His (NM_001199580.2, NM_001394431.1, NM_001394432.1 and 5 more transcripts); c.1154G>A, p.Arg385His (NM_001394427.1); c.1106G>A, p.Arg369His (NM_001394429.1, NM_001394430.1); c.971G>A, p.Arg324His (NM_001394438.1); c.923G>A, p.Arg308His (NM_001394439.1, NM_001394440.1, NM_001394441.1); c.569G>A, p.Arg190His (NM_001394443.1); c.615-1876G>A (NM_001394444.1, NM_001394445.1); and 1 more; short protein forms R190H, R369H, R375H, R308H, R354H, R324H, R385H.
Identifiers: ClinVar variation 1498816 (VCV001498816.6), dbSNP rs1240205767, ClinGen allele CA411585164.
Genomic context (GRCh38, chr22:38,742,308, plus strand): 5'-CGCTTTCCTATGGGTGTCACCCACCTCCCACCCTGAGGTATTCCACCTCCTACCTGGATG[C>T]GAGCAGCAGTTTCCCTGCGGAAATCCTCCTTCAGGGCAGCTTCACGGCGGCTCACTAGCC-3'
Protein context (NP_056189.1, residues 344-364): KEDFRRETAA[Arg354His]IQEELSALRA

ClinVar aggregate classification (germline): Uncertain significance (1 of 4 stars; one submission).

Conditions:
Emery-Dreifuss muscular dystrophy (EDMD). Also called: Scapuloperoneal syndrome, X-linked (formerly); Humeroperoneal neuromuscular disease, (formerly). Identifiers: Orphanet 261, MedGen C0410189, MONDO:0016830.

Allele frequency attached by ClinVar (database versions not stated): gnomAD exomes below 0.00001; gnomAD 0.00002; TOPMed 0.00002.
gnomAD v4.1: 16 of 1,598,446 alleles (0.001%); highest among the groups gnomAD compares: African/African-American, 0.011%; no homozygotes.

Submission:

Labcorp Genetics (formerly Invitae), Labcorp
Classification: Uncertain significance for Emery-Dreifuss muscular dystrophy. Last evaluated: 2022-06-07. Review status: criteria provided, single submitter. Criteria: Invitae Variant Classification Sherloc (09022015). Collection method: clinical testing. Allele origin: germline.
Comment: This sequence change replaces arginine, which is basic and polar, with histidine, which is basic and polar, at codon 354 of the SUN2 protein (p.Arg354His). This variant is present in population databases (no rsID available, gnomAD 0.007%). This variant has not been reported in the literature in individuals affected with SUN2-related conditions. Algorithms developed to predict the effect of missense changes on protein structure and function output the following: SIFT: "Tolerated"; PolyPhen-2: "Benign"; Align-GVGD: "Class C0". The histidine amino acid residue is found in multiple mammalian species, which suggests that this missense change does not adversely affect protein function. In summary, the available evidence is currently insufficient to determine the role of this variant in disease. Therefore, it has been classified as a Variant of Uncertain Significance.